The following is an entry in ClinVar:

NM_144687.4(NLRP12):c.2819A>G (p.Asn940Ser)

Gene: NLRP12 (NLR family pyrin domain containing 12; minus strand). Cytogenetic location: 19q13.42.
Variant type: single nucleotide variant.
Coding change: c.2819A>G on transcript NM_144687.4 (MANE Select); coding-DNA position 2819, A replaced by G.
Protein change: p.Asn940Ser; replaces asparagine 940 with serine.
Molecular consequence: missense variant. On other transcripts: intron variant (1).
Genome position (GRCh38, 1-based): chr19:53,798,351, T>C on the plus strand (A>G on the coding strand, the complement: NLRP12 is on the minus strand). VCF-style: chr19-53798351-T-C. GRCh37 (hg19) VCF-style: chr19-54301605-T-C.
Other names: c.2822A>G, p.Asn941Ser (NM_001277126.2); c.2757-2322A>G (NM_001277129.1); short protein forms N941S, N940S.
Identifiers: ClinVar variation 1489791 (VCV001489791.8), dbSNP rs753465728, ClinGen allele CA9638892.

ClinVar aggregate classification (germline): Uncertain significance (1 of 4 stars; one submission).

Conditions:
Familial cold autoinflammatory syndrome 2 (FCAS2). Identifiers: Orphanet 247868, MedGen C2673198, MONDO:0012724, OMIM 611762.

Allele frequency attached by ClinVar (database versions not stated): ExAC 0.00002; gnomAD 0.00002 and 0.00003; gnomAD exomes 0.00002 and 0.00003; TOPMed 0.00002.
gnomAD v4.1: 45 of 1,613,970 alleles (0.0028%); highest among the groups gnomAD compares: Non-Finnish European, 0.0036%; no homozygotes.

Submission:

Labcorp Genetics (formerly Invitae), Labcorp
Classification: Uncertain significance for Familial cold autoinflammatory syndrome 2. Last evaluated: 2025-01-12. Review status: criteria provided, single submitter. Criteria: Invitae Variant Classification Sherloc (09022015). Collection method: clinical testing. Allele origin: germline.
Comment: This sequence change replaces asparagine, which is neutral and polar, with serine, which is neutral and polar, at codon 940 of the NLRP12 protein (p.Asn940Ser). This variant is present in population databases (rs753465728, gnomAD 0.003%). This variant has not been reported in the literature in individuals affected with NLRP12-related conditions. ClinVar contains an entry for this variant (Variation ID: 1489791). An algorithm developed to predict the effect of missense changes on protein structure and function outputs the following: PolyPhen-2: "Benign". The serine amino acid residue is found in multiple mammalian species, which suggests that this missense change does not adversely affect protein function. In summary, the available evidence is currently insufficient to determine the role of this variant in disease. Therefore, it has been classified as a Variant of Uncertain Significance.